The following is an entry in ClinVar:

NM_001478.5(B4GALNT1):c.1556G>C (p.Arg519Pro)

Gene: B4GALNT1 (beta-1,4-N-acetyl-galactosaminyltransferase 1; minus strand). Cytogenetic location: 12q13.3.
Variant type: single nucleotide variant.
Coding change: c.1556G>C on transcript NM_001478.5 (MANE Select); coding-DNA position 1556, G replaced by C.
Protein change: p.Arg519Pro; replaces arginine 519 with proline.
Molecular consequence: missense variant.
Genome position (GRCh38, 1-based): chr12:57,626,790, C>G on the plus strand (G>C on the coding strand, the complement: B4GALNT1 is on the minus strand). VCF-style: chr12-57626790-C-G. GRCh37 (hg19) VCF-style: chr12-58020573-C-G.
Other names: c.1391G>C, p.Arg464Pro (NM_001276468.2); short protein forms R464P, R519P.
Identifiers: ClinVar variation 848217 (VCV000848217.10), dbSNP rs751593187, ClinGen allele CA237818367.

ClinVar aggregate classification (germline): Conflicting classifications of pathogenicity. Review status: criteria provided, conflicting classifications (1 of 4 stars). 3 submissions from 3 submitters: Pathogenic (1); Likely pathogenic (1); Uncertain significance (1). Last evaluated 2025-11-29.

Conditions:
Spastic paraplegia. Identifiers: MedGen C0037772, HP:0001258.
Hereditary spastic paraplegia 26 (SPG26). Also called: SPASTIC PARAPLEGIA 26, AUTOSOMAL RECESSIVE. Identifiers: Orphanet 101006, MedGen C1836632, MONDO:0012213, OMIM 609195.

Allele frequency attached by ClinVar (database versions not stated): TOPMed 0.00005.
gnomAD v4.1: 14 of 1,614,076 alleles (0.00087%); highest among the groups gnomAD compares: Admixed American, 0.02%; no homozygotes.

Submissions (3):

Clinical Genomics Laboratory, Washington University in St. Louis
Classification: Likely pathogenic for Hereditary spastic paraplegia 26. Last evaluated: 2025-11-29. Review status: criteria provided, single submitter. Criteria: ACMG Guidelines, 2015. Collection method: clinical testing. Allele origin: germline. Affected: yes.
Comment: The B4GALNT1 c.1556G>C (p.Arg519Pro) variant has been reported in one individual affected with SPG26 who was compound heterozygous for the variant and a pathogenic or likely pathogenic variant confirmed in trans (Alecu JE et al., PMID:35775650). This variant has been reported in the ClinVar database as a germline pathogenic variant by one submitter and as a germline variant of uncertain significance by one submitter. This variant is only observed in 1/251,486 alleles in the general population (gnomAD v.2.1.1), indicating it is not a common variant. Functional studies show decreased endogenous GM2 expression, reduced B4GALNT1 expression, and enzyme activity in a cell model compared to wild type, indicating that this variant impacts protein function (Alecu JE et al., PMID: 35775650). Based on available information and ACMG/AMP guidelines for variant interpretation (Richards S et al., PMID: 25741868), this variant is classified as likely pathogenic.

GeneDx
Classification: Pathogenic. Last evaluated: 2025-07-18. Review status: criteria provided, single submitter. Criteria: GeneDx Variant Classification Process June 2021. Collection method: clinical testing. Allele origin: germline.
Comment: Published functional studies demonstrate that the R519P variant leads to a loss of function with no GM2 biosynthesis detected (PMID: 35775650); Not observed at significant frequency in large population cohorts (gnomAD); In silico analysis suggests that this missense variant does not alter protein structure/function; This variant is associated with the following publications: (PMID: 35775650)

Labcorp Genetics (formerly Invitae), Labcorp
Classification: Uncertain significance for Spastic paraplegia. Last evaluated: 2022-08-23. Review status: criteria provided, single submitter. Criteria: Invitae Variant Classification Sherloc (09022015). Collection method: clinical testing. Allele origin: germline.
Comment: This sequence change replaces arginine, which is basic and polar, with proline, which is neutral and non-polar, at codon 519 of the B4GALNT1 protein (p.Arg519Pro). This variant is present in population databases (no rsID available, gnomAD 0.003%). This variant has not been reported in the literature in individuals affected with B4GALNT1-related conditions. ClinVar contains an entry for this variant (Variation ID: 848217). Algorithms developed to predict the effect of missense changes on protein structure and function are either unavailable or do not agree on the potential impact of this missense change (SIFT: "Tolerated"; PolyPhen-2: "Possibly Damaging"; Align-GVGD: "Class C0"). In summary, the available evidence is currently insufficient to determine the role of this variant in disease. Therefore, it has been classified as a Variant of Uncertain Significance.